The following is an entry in ClinVar:

ClinVar aggregate classification (germline): Uncertain significance (1 of 4 stars; one submission).

Conditions:
Epileptic encephalopathy. Identifiers: MedGen C0543888, HP:0200134.

Allele frequency attached by ClinVar (database versions not stated): gnomAD exomes 0.00001 and 0.00003; TOPMed 0.00001; gnomAD 0.00002; ExAC 0.00003.
gnomAD v4.1: 19 of 1,613,578 alleles (0.0012%); highest among the groups gnomAD compares: African/African-American, 0.0067%; no homozygotes.

Submission:

Labcorp Genetics (formerly Invitae), Labcorp
Classification: Uncertain significance for Epileptic encephalopathy. Last evaluated: 2021-08-27. Review status: criteria provided, single submitter. Criteria: Invitae Variant Classification Sherloc (09022015). Collection method: clinical testing. Allele origin: germline.
Comment: This sequence change replaces threonine with methionine at codon 3002 of the RYR3 protein (p.Thr3002Met). The threonine residue is highly conserved and there is a moderate physicochemical difference between threonine and methionine. This variant is present in population databases (rs776121340, ExAC 0.009%). This variant has not been reported in the literature in individuals affected with RYR3-related conditions. Algorithms developed to predict the effect of missense changes on protein structure and function are either unavailable or do not agree on the potential impact of this missense change (SIFT: "Deleterious"; PolyPhen-2: "Probably Damaging"; Align-GVGD: "Class C0"). In summary, the available evidence is currently insufficient to determine the role of this variant in disease. Therefore, it has been classified as a Variant of Uncertain Significance.

NM_001036.6(RYR3):c.9005C>T (p.Thr3002Met)

Gene: RYR3 (ryanodine receptor 3; plus strand). Cytogenetic location: 15q14.
Variant type: single nucleotide variant.
Coding change: c.9005C>T on transcript NM_001036.6 (MANE Select); coding-DNA position 9005, C replaced by T.
Protein change: p.Thr3002Met; replaces threonine 3002 with methionine.
Molecular consequence: missense variant.
Genome position (GRCh38, 1-based): chr15:33,772,108, C>T. VCF-style: chr15-33772108-C-T. GRCh37 (hg19) VCF-style: chr15-34064309-C-T.
Other names: c.9005C>T, p.Thr3002Met (NM_001243996.4); short protein forms T3002M.
Identifiers: ClinVar variation 1023620 (VCV001023620.6), dbSNP rs776121340, ClinGen allele CA7460383.